The following is an entry in ClinVar:

NM_000642.3(AGL):c.1072A>G (p.Ile358Val)

Gene: AGL (amylo-alpha-1,6-glucosidase and 4-alpha-glucanotransferase; plus strand). Cytogenetic location: 1p21.2.
Variant type: single nucleotide variant.
Coding change: c.1072A>G on transcript NM_000642.3 (MANE Select); coding-DNA position 1072, A replaced by G.
Protein change: p.Ile358Val; replaces isoleucine 358 with valine.
Molecular consequence: missense variant.
Genome position (GRCh38, 1-based): chr1:99,874,800, A>G. VCF-style: chr1-99874800-A-G. GRCh37 (hg19) VCF-style: chr1-100340356-A-G.
Other names: c.1072A>G, p.Ile358Val (NM_000028.3, NM_000643.3, NM_000644.3 and 3 more transcripts); c.1024A>G, p.Ile342Val (NM_000646.3); c.868A>G, p.Ile290Val (NM_001425328.1, NM_001425329.1); c.694A>G, p.Ile232Val (NM_001425332.1); c.1072A>G (NM_000642.2); short protein forms I358V, I342V, I232V, I290V.
Identifiers: ClinVar variation 1428873 (VCV001428873.7), dbSNP rs923537550, ClinGen allele CA27573258.

ClinVar aggregate classification (germline): Uncertain significance. Review status: criteria provided, multiple submitters, no conflicts (2 of 4 stars). 2 submissions from 2 submitters: Uncertain significance (2). Last evaluated 2024-01-03.

Conditions:
Inborn genetic diseases. Identifiers: MedGen C0950123, MeSH D030342.
Glycogen storage disease type III (GSD3). Also called: FORBES DISEASE; Cori disease. Identifiers: Orphanet 366, MedGen C0017922, MONDO:0009291, OMIM 232400.

Allele frequency attached by ClinVar (database versions not stated): gnomAD exomes below 0.00001; TOPMed below 0.00001.
gnomAD v4.1: 4 of 1,613,474 alleles (0.00025%); highest among the groups gnomAD compares: East Asian, 0.0022%; no homozygotes.

Submissions (2):

Ambry Genetics
Classification: Uncertain significance for Inborn genetic diseases. Last evaluated: 2024-01-03. Review status: criteria provided, single submitter. Criteria: Ambry Variant Classification Scheme 2023. Collection method: clinical testing. Allele origin: germline.

Labcorp Genetics (formerly Invitae), Labcorp
Classification: Uncertain significance for Glycogen storage disease type III. Last evaluated: 2022-03-18. Review status: criteria provided, single submitter. Criteria: Invitae Variant Classification Sherloc (09022015). Collection method: clinical testing. Allele origin: germline.
Comment: This sequence change replaces isoleucine, which is neutral and non-polar, with valine, which is neutral and non-polar, at codon 358 of the AGL protein (p.Ile358Val). This variant is not present in population databases (gnomAD no frequency). This variant has not been reported in the literature in individuals affected with AGL-related conditions. Algorithms developed to predict the effect of missense changes on protein structure and function output the following: SIFT: "Tolerated"; PolyPhen-2: "Benign"; Align-GVGD: "Class C0". The valine amino acid residue is found in multiple mammalian species, which suggests that this missense change does not adversely affect protein function. In summary, the available evidence is currently insufficient to determine the role of this variant in disease. Therefore, it has been classified as a Variant of Uncertain Significance.